The following is an entry in ClinVar:

NM_001267550.2(TTN):c.71832A>C (p.Lys23944Asn)

Genes: TTN (titin; minus strand), TTN-AS1 (TTN antisense RNA 1; plus strand). Cytogenetic location: 2q31.2.
Variant type: single nucleotide variant.
Coding change: c.71832A>C on transcript NM_001267550.2 (MANE Select); coding-DNA position 71832, A replaced by C.
Protein change: p.Lys23944Asn; replaces lysine 23944 with asparagine.
Molecular consequence: missense variant.
Genome position (GRCh38, 1-based): chr2:178,574,300, T>G on the plus strand (A>C on the coding strand, the complement: TTN is on the minus strand). VCF-style: chr2-178574300-T-G. GRCh37 (hg19) VCF-style: chr2-179439027-T-G.
Other names: c.66909A>C, p.Lys22303Asn (NM_001256850.1); c.44637A>C, p.Lys14879Asn (NM_003319.4); c.64128A>C, p.Lys21376Asn (NM_133378.4); c.45012A>C, p.Lys15004Asn (NM_133432.3); c.45213A>C, p.Lys15071Asn (NM_133437.4); short protein forms K21376N, K23944N, K15004N, K15071N, K14879N, K22303N.
Identifiers: ClinVar variation 497799 (VCV000497799.8), dbSNP rs1449315408, ClinGen allele CA349650435.

ClinVar aggregate classification (germline): Conflicting classifications of pathogenicity. Review status: criteria provided, conflicting classifications (1 of 4 stars). 3 submissions from 3 submitters: Uncertain significance (2); Likely benign (1). Last evaluated 2025-05-21.

Conditions:
TTN-related disorder. Also called: TTN-related condition; TTN-related disease; TTN-related disorders.

Allele frequency attached by ClinVar (database versions not stated): gnomAD exomes below 0.00001; TOPMed below 0.00001.
gnomAD v4.1: 5 of 1,613,520 alleles (0.00031%); highest among the groups gnomAD compares: East Asian, 0.0022%; no homozygotes.

Submissions (3):

PreventionGenetics, part of Exact Sciences
Classification: Uncertain significance for TTN-related condition. Last evaluated: 2025-05-21. Review status: criteria provided, single submitter. Criteria: ACMG Guidelines, 2015. Collection method: clinical testing. Allele origin: germline.
Comment: The TTN c.71832A>C variant is predicted to result in the amino acid substitution p.Lys23944Asn. To our knowledge, this variant has not been reported in the literature or in a large population database (gnomAD), indicating this variant is rare. At this time, the clinical significance of this variant is uncertain due to the absence of conclusive functional and genetic evidence.

GeneDx
Classification: Likely benign. Last evaluated: 2018-04-12. Review status: criteria provided, single submitter. Criteria: GeneDx Variant Classification (06012015). Collection method: clinical testing. Allele origin: germline. Affected: yes.
Comment: This variant is considered likely benign or benign based on one or more of the following criteria: it is a conservative change, it occurs at a poorly conserved position in the protein, it is predicted to be benign by multiple in silico algorithms, and/or has population frequency not consistent with disease.

Eurofins Ntd Llc (ga)
Classification: Uncertain significance. Last evaluated: 2016-10-17. Review status: criteria provided, single submitter. Criteria: EGL Classification Definitions 2015. Collection method: clinical testing. Allele origin: germline. Observed: 1 variant allele, 1 heterozygote.